The following is an entry in ClinVar:

ClinVar aggregate classification (germline): Conflicting classifications of pathogenicity. Review status: criteria provided, conflicting classifications (1 of 4 stars). 4 submissions from 4 submitters: Uncertain significance (3); Likely benign (1). Last evaluated 2025-08-11.

Conditions:
Cardiovascular phenotype. Identifiers: MedGen CN230736.
Dilated cardiomyopathy 1JJ (CMD1JJ). Identifiers: Orphanet 154, MedGen C3808935, MONDO:0014095, OMIM 615235.

Allele frequency attached by ClinVar (database versions not stated): gnomAD exomes below 0.00001 and 0.00003; ExAC 0.00001; gnomAD 0.00001; TOPMed 0.00002.
gnomAD v4.1: 48 of 1,613,928 alleles (0.003%); highest among the groups gnomAD compares: Non-Finnish European, 0.0037%; no homozygotes.

Submissions (4):

Labcorp Genetics (formerly Invitae), Labcorp
Classification: Uncertain significance for Dilated cardiomyopathy 1JJ. Last evaluated: 2025-08-11. Review status: criteria provided, single submitter. Criteria: Invitae Variant Classification Sherloc (09022015). Collection method: clinical testing. Allele origin: germline.
Comment: This sequence change replaces alanine, which is neutral and non-polar, with threonine, which is neutral and polar, at codon 298 of the LAMA4 protein (p.Ala298Thr). This variant is present in population databases (rs782325733, gnomAD 0.004%). This variant has not been reported in the literature in individuals affected with LAMA4-related conditions. ClinVar contains an entry for this variant (Variation ID: 406149). Invitae Evidence Modeling of protein sequence and biophysical properties (such as structural, functional, and spatial information, amino acid conservation, physicochemical variation, residue mobility, and thermodynamic stability) indicates that this missense variant is not expected to disrupt LAMA4 protein function with a negative predictive value of 80%. In summary, the available evidence is currently insufficient to determine the role of this variant in disease. Therefore, it has been classified as a Variant of Uncertain Significance.

GeneDx
Classification: Uncertain significance. Last evaluated: 2024-09-11. Review status: criteria provided, single submitter. Criteria: GeneDx Variant Classification Process June 2021. Collection method: clinical testing. Allele origin: germline. Affected: yes.
Comment: Not observed at significant frequency in large population cohorts (gnomAD); In silico analysis indicates that this missense variant does not alter protein structure/function; Has not been previously published as pathogenic or benign to our knowledge

Ambry Genetics
Classification: Likely benign for Cardiovascular phenotype. Last evaluated: 2024-07-16. Review status: criteria provided, single submitter. Criteria: Ambry Variant Classification Scheme 2023. Collection method: clinical testing. Allele origin: germline.

Fulgent Genetics
Classification: Uncertain significance for Dilated cardiomyopathy 1JJ. Last evaluated: 2021-09-10. Review status: criteria provided, single submitter. Criteria: ACMG Guidelines, 2015. Collection method: clinical testing. Allele origin: unknown.

NM_001105206.3(LAMA4):c.913G>A (p.Ala305Thr)

Gene: LAMA4 (laminin subunit alpha 4; minus strand). Cytogenetic location: 6q21.
Variant type: single nucleotide variant.
Coding change: c.913G>A on transcript NM_001105206.3 (MANE Select); coding-DNA position 913, G replaced by A.
Protein change: p.Ala305Thr; replaces alanine 305 with threonine.
Molecular consequence: missense variant.
Genome position (GRCh38, 1-based): chr6:112,187,503, C>T on the plus strand (G>A on the coding strand, the complement: LAMA4 is on the minus strand). VCF-style: chr6-112187503-C-T. GRCh37 (hg19) VCF-style: chr6-112508705-C-T.
Other names: c.892G>A, p.Ala298Thr (NM_001105207.3, NM_002290.5); c.892G>A (NM_002290.3); short protein forms A298T, A305T.
Identifiers: ClinVar variation 406149 (VCV000406149.13), dbSNP rs782325733, ClinGen allele CA3965992.